The following is an entry in ClinVar:

ClinVar aggregate classification (germline): Uncertain significance. Review status: criteria provided, multiple submitters, no conflicts (2 of 4 stars). 4 submissions from 4 submitters: Uncertain significance (4). Last evaluated 2026-03-27.

Conditions:
Cardiovascular phenotype. Identifiers: MedGen CN230736.
Arrhythmogenic right ventricular dysplasia 8 (ARVD8). Also called: Arrhythmogenic Right Ventricular Dysplasia/Cardiomyopathy 8; ARRHYTHMOGENIC RIGHT VENTRICULAR DYSPLASIA, FAMILIAL, 8; ARRHYTHMOGENIC RIGHT VENTRICULAR CARDIOMYOPATHY 8. Identifiers: MedGen C1843896, MONDO:0011831, OMIM 607450.
Arrhythmogenic cardiomyopathy with wooly hair and keratoderma. Also called: PALMOPLANTAR KERATODERMA WITH LEFT VENTRICULAR CARDIOMYOPATHY AND WOOLLY HAIR; Carvajal syndrome; Dilated cardiomyopathy with woolly hair and keratoderma; Arrhythmogenic cardiomyopathy with woolly hair and keratoderma. Identifiers: Orphanet 65282, MedGen C1854063, MONDO:0011581, OMIM 605676.
Cardiomyopathy (CMYO). Also called: Cardiomyopathies. Identifiers: Orphanet 167848, MedGen C0878544, MONDO:0004994, HP:0001638. Inheritance: Various modes of inheritance.

Allele frequency attached by ClinVar (database versions not stated): gnomAD exomes below 0.00001.

Submissions (4):

Molecular Diagnostic Laboratory for Inherited Cardiovascular Disease, Montreal Heart Institute
Classification: Uncertain significance for Cardiovascular phenotype. Last evaluated: 2026-03-27. Review status: criteria provided, single submitter. Criteria: ACMG Guidelines, 2015. Collection method: clinical testing. Allele origin: germline. Affected: yes.
Comment: PM2

Ambry Genetics
Classification: Uncertain significance for Cardiovascular phenotype. Last evaluated: 2026-02-24. Review status: criteria provided, single submitter. Criteria: Ambry Variant Classification Scheme 2023. Collection method: clinical testing. Allele origin: germline.

Labcorp Genetics (formerly Invitae), Labcorp
Classification: Uncertain significance for Arrhythmogenic cardiomyopathy with wooly hair and keratoderma; Arrhythmogenic right ventricular dysplasia 8. Last evaluated: 2025-11-17. Review status: criteria provided, single submitter. Criteria: Invitae Variant Classification Sherloc (09022015). Collection method: clinical testing. Allele origin: germline.
Comment: This sequence change replaces isoleucine, which is neutral and non-polar, with leucine, which is neutral and non-polar, at codon 1104 of the DSP protein (p.Ile1104Leu). This variant is not present in population databases (gnomAD no frequency). This variant has not been reported in the literature in individuals affected with DSP-related conditions. ClinVar contains an entry for this variant (Variation ID: 2775293). An algorithm developed to predict the effect of missense changes on protein structure and function (PolyPhen-2) suggests that this variant is likely to be disruptive. In summary, the available evidence is currently insufficient to determine the role of this variant in disease. Therefore, it has been classified as a Variant of Uncertain Significance.

Color Diagnostics, LLC DBA Color Health
Classification: Uncertain significance for Cardiomyopathy. Last evaluated: 2023-01-23. Review status: criteria provided, single submitter. Criteria: ACMG Guidelines, 2015. Collection method: clinical testing. Allele origin: germline.
Comment: This missense variant replaces isoleucine with leucine at codon 1104 of the DSP protein. Computational prediction suggests that this variant may not impact protein structure and function (internally defined REVEL score threshold <= 0.5, PMID: 27666373). To our knowledge, functional studies have not been reported for this variant. This variant has not been reported in individuals affected with DSP-related disorders in the literature. This variant has not been identified in the general population by the Genome Aggregation Database (gnomAD). The available evidence is insufficient to determine the role of this variant in disease conclusively. Therefore, this variant is classified as a Variant of Uncertain Significance.

NM_004415.4(DSP):c.3310A>C (p.Ile1104Leu)

Gene: DSP (desmoplakin; plus strand). Cytogenetic location: 6p24.3.
Variant type: single nucleotide variant.
Coding change: c.3310A>C on transcript NM_004415.4 (MANE Select); coding-DNA position 3310, A replaced by C.
Protein change: p.Ile1104Leu; replaces isoleucine 1104 with leucine.
Molecular consequence: missense variant.
Genome position (GRCh38, 1-based): chr6:7,579,500, A>C. VCF-style: chr6-7579500-A-C. GRCh37 (hg19) VCF-style: chr6-7579733-A-C.
Other names: c.3310A>C, p.Ile1104Leu (NM_001008844.3, NM_001319034.2); c.3310A>C (NM_004415.3); short protein forms I1104L.
Identifiers: ClinVar variation 2775293 (VCV002775293.6), dbSNP rs2113691466, ClinGen allele CA362683627.